The following is an entry in ClinVar:

NM_001008537.3(NEXMIF):c.4018C>G (p.Pro1340Ala)

Gene: NEXMIF (neurite extension and migration factor; minus strand). Cytogenetic location: Xq13.3.
Variant type: single nucleotide variant.
Coding change: c.4018C>G on transcript NM_001008537.3 (MANE Select); coding-DNA position 4018, C replaced by G.
Protein change: p.Pro1340Ala; replaces proline 1340 with alanine.
Molecular consequence: missense variant.
Genome position (GRCh38, 1-based): chrX:74,740,539, G>C on the plus strand (C>G on the coding strand, the complement: NEXMIF is on the minus strand). VCF-style: chrX-74740539-G-C. GRCh37 (hg19) VCF-style: chrX-73960374-G-C.
Other names: short protein forms P1340A.
Identifiers: ClinVar variation 1367914 (VCV001367914.8), dbSNP rs2147439059, ClinGen allele CA413664218.
Genomic context (GRCh38, chrX:74,740,539, plus strand): 5'-TGGACTCAGGGGAGTAGAATATGTTGGGATCCCCATGGTGCTCCATGGGTTCCCAAAGGG[G>C]CTCTATGGAGGCCATCATGAATCTCTGCACATCTGCCATACCAGAGGCAATGTTGGACAA-3'
Protein context (NP_001008537.1, residues 1330-1350): VQRFMMASIE[Pro1340Ala]LWEPMEHHGD

ClinVar aggregate classification (germline): Uncertain significance (1 of 4 stars; one submission).

Submission:

Labcorp Genetics (formerly Invitae), Labcorp
Classification: Uncertain significance. Last evaluated: 2021-01-30. Review status: criteria provided, single submitter. Criteria: Invitae Variant Classification Sherloc (09022015). Collection method: clinical testing. Allele origin: germline.
Comment: In summary, the available evidence is currently insufficient to determine the role of this variant in disease. Therefore, it has been classified as a Variant of Uncertain Significance. Algorithms developed to predict the effect of missense changes on protein structure and function (SIFT, PolyPhen-2, Align-GVGD) all suggest that this variant is likely to be disruptive, but these predictions have not been confirmed by published functional studies and their clinical significance is uncertain. This variant has not been reported in the literature in individuals with NEXMIF-related conditions. This variant is not present in population databases (ExAC no frequency). This sequence change replaces proline with alanine at codon 1340 of the NEXMIF protein (p.Pro1340Ala). The proline residue is highly conserved and there is a small physicochemical difference between proline and alanine.